The following is an entry in ClinVar:

NM_000521.4(HEXB):c.1049A>T (p.His350Leu)

Gene: HEXB (hexosaminidase subunit beta; plus strand). Cytogenetic location: 5q13.3.
Variant type: single nucleotide variant.
Coding change: c.1049A>T on transcript NM_000521.4 (MANE Select); coding-DNA position 1049, A replaced by T.
Protein change: p.His350Leu; replaces histidine 350 with leucine.
Molecular consequence: missense variant.
Genome position (GRCh38, 1-based): chr5:74,715,657, A>T. VCF-style: chr5-74715657-A-T. GRCh37 (hg19) VCF-style: chr5-74011482-A-T.
Other names: c.374A>T, p.His125Leu (NM_001292004.2); short protein forms H125L, H350L.
Identifiers: ClinVar variation 1338978 (VCV001338978.2), dbSNP rs2112175313, ClinGen allele CA360068826.

ClinVar aggregate classification (germline): Uncertain significance (1 of 4 stars; one submission).

Conditions:
Sandhoff disease. Also called: Beta-hexosaminidase-beta-subunit deficiency; GM2 gangliosidosis, type 2; Total hexosaminidase deficiency; Sandhoff-Jatzkewitz-Pilz disease; GM2-GANGLIOSIDOSIS, TYPE II; HEXOSAMINIDASES A AND B DEFICIENCY. Identifiers: Orphanet 796, MedGen C0036161, MONDO:0010006, OMIM 268800.

Submission:

Neuberg Centre For Genomic Medicine, NCGM
Classification: Uncertain significance for Sandhoff disease. Review status: criteria provided, single submitter. Criteria: ACMG Guidelines, 2015. Collection method: clinical testing. Allele origin: germline. Affected: yes.
Comment: The missense variant p.H350L in HEXB (NM_000521.4) has not been reported previously as a pathogenic variant nor as a benign variant, to our knowledge. The p.H350L variant is novel (not in any individuals) in gnomAD Exomes and is novel (not in any individuals) in 1000 Genomes. The p.H350L missense variant is predicted to be damaging by both SIFT and PolyPhen2. The histidine residue at codon 350 of HEXB is conserved in all mammalian species. The nucleotide c.1049 in HEXB is predicted conserved by GERP++ and PhyloP across 100 vertebrates. For these reasons, this variant has been classified as Uncertain Significance.